The following is an entry in ClinVar:

NM_000045.4(ARG1):c.218T>G (p.Val73Gly)

Genes: ARG1 (arginase 1; plus strand), MED23 (mediator complex subunit 23; minus strand). Cytogenetic location: 6q23.2.
Variant type: single nucleotide variant.
Coding change: c.218T>G on transcript NM_000045.4 (MANE Select); coding-DNA position 218, T replaced by G.
Protein change: p.Val73Gly; replaces valine 73 with glycine.
Molecular consequence: missense variant. On other transcripts: non-coding transcript variant (1), intron variant (2).
Genome position (GRCh38, 1-based): chr6:131,579,198, T>G. VCF-style: chr6-131579198-T-G. GRCh37 (hg19) VCF-style: chr6-131900338-T-G.
Other names: c.242T>G, p.Val81Gly (NM_001244438.2); c.218T>G, p.Val73Gly (NM_001369020.1); c.4078-4903A>C (NM_001270521.2); c.4096-4903A>C (NM_015979.4); short protein forms V81G, V73G.
Identifiers: ClinVar variation 1429067 (VCV001429067.7), dbSNP rs867223787, ClinGen allele CA147891743.
Genomic context (GRCh38, chr6:131,579,198, plus strand): 5'-TGCCCTTTGCTGACATCCCTAATGACAGTCCCTTTCAAATTGTGAAGAATCCAAGGTCTG[T>G]GGGAAAAGCAAGCGAGCAGCTGGCTGGCAAGGTGGCAGAAGTCAAGAAGAACGGAAGAAT-3'
Protein context (NP_000036.2, residues 63-83): PFQIVKNPRS[Val73Gly]GKASEQLAGK

ClinVar aggregate classification (germline): Uncertain significance (1 of 4 stars; one submission).

Conditions:
Arginase deficiency. Also called: ARGININEMIA; ARG1 DEFICIENCY; Arginase 1 Deficiency. Identifiers: Orphanet 90, MedGen C0268548, MONDO:0008814, OMIM 207800.

Allele frequency attached by ClinVar (database versions not stated): TOPMed below 0.00001; gnomAD exomes below 0.00001.
gnomAD v4.1: 2 of 1,613,998 alleles (0.00012%); highest among the groups gnomAD compares: Non-Finnish European, 0.00017%; no homozygotes.

Submission:

Labcorp Genetics (formerly Invitae), Labcorp
Classification: Uncertain significance for Arginase deficiency. Last evaluated: 2024-05-15. Review status: criteria provided, single submitter. Criteria: Invitae Variant Classification Sherloc (09022015). Collection method: clinical testing. Allele origin: germline.
Comment: This sequence change replaces valine, which is neutral and non-polar, with glycine, which is neutral and non-polar, at codon 73 of the ARG1 protein (p.Val73Gly). This variant is not present in population databases (gnomAD no frequency). This variant has not been reported in the literature in individuals affected with ARG1-related conditions. ClinVar contains an entry for this variant (Variation ID: 1429067). Advanced modeling of protein sequence and biophysical properties (such as structural, functional, and spatial information, amino acid conservation, physicochemical variation, residue mobility, and thermodynamic stability) performed at Invitae indicates that this missense variant is expected to disrupt ARG1 protein function with a positive predictive value of 80%. In summary, the available evidence is currently insufficient to determine the role of this variant in disease. Therefore, it has been classified as a Variant of Uncertain Significance.